The following is an entry in ClinVar:

NM_005222.4(DLX6):c.75GCA[13] (p.Gln44_Pro45insGlnGlnGlnGlnGln)

Genes: DLX6 (distal-less homeobox 6; plus strand), DLX6-AS1 (DLX6 antisense RNA 1; minus strand). Cytogenetic location: 7q21.3.
Variant type: Microsatellite.
Coding change: c.75GCA[13] on transcript NM_005222.4 (MANE Select); 13 copies in a row of the 3-base unit GCA starting at c.75; the reference has eight copies in a row; five copies, 15 bases duplicated.
Protein change: p.Gln44_Pro45insGlnGlnGlnGlnGln.
Molecular consequence: inframe insertion.
Genome position (GRCh38, 1-based): chr7:97,006,061-97,006,075, GCAGCAGCAGCAGCA duplicated; duplicating any 15 consecutive bases within chr7:97,006,052-97,006,075 gives the same sequence; the position shown is the placement nearest the transcript's 3' end. VCF-style (leftmost placement, unchanged base first): chr7-97006051-G-GGCAGCAGCAGCAGCA. GRCh37 (hg19) VCF-style: chr7-96635363-G-GGCAGCAGCAGCAGCA.
Identifiers: ClinVar variation 1982646 (VCV001982646.4), dbSNP rs530625473, ClinGen allele CA844265903.

ClinVar aggregate classification (germline): Uncertain significance (1 of 4 stars; one submission).

Submission:

Labcorp Genetics (formerly Invitae), Labcorp
Classification: Uncertain significance. Last evaluated: 2022-07-15. Review status: criteria provided, single submitter. Criteria: Invitae Variant Classification Sherloc (09022015). Collection method: clinical testing. Allele origin: germline.
Comment: In summary, the available evidence is currently insufficient to determine the role of this variant in disease. Therefore, it has been classified as a Variant of Uncertain Significance. This variant has not been reported in the literature in individuals affected with DLX6-related conditions. This variant is not present in population databases (gnomAD no frequency). This variant, c.84_98dup, results in the insertion of 5 amino acid(s) of the DLX6 protein (p.Gln40_Gln44dup), but otherwise preserves the integrity of the reading frame.